The following is an entry in ClinVar:

NM_182588.3(RGPD4):c.3829C>T (p.Pro1277Ser)

Gene: RGPD4 (RANBP2 like and GRIP domain containing 4; plus strand). Cytogenetic location: 2q12.3.
Variant type: single nucleotide variant.
Coding change: c.3829C>T on transcript NM_182588.3 (MANE Select); coding-DNA position 3829, C replaced by T.
Protein change: p.Pro1277Ser; replaces proline 1277 with serine.
Molecular consequence: missense variant.
Genome position (GRCh38, 1-based): chr2:107,871,833, C>T. VCF-style: chr2-107871833-C-T. GRCh37 (hg19) VCF-style: chr2-108488289-C-T.
Other names: short protein forms P1277S.
Identifiers: ClinVar variation 4839318 (VCV004839318.1).

ClinVar aggregate classification (germline): Uncertain significance (1 of 4 stars; one submission).

gnomAD v4.1: 2 of 1,611,488 alleles (0.00012%); highest among the groups gnomAD compares: Non-Finnish European, 0.00017%; no homozygotes.

Submission:

Ambry Genetics
Classification: Uncertain significance. Last evaluated: 2026-01-14. Review status: criteria provided, single submitter. Criteria: Ambry Variant Classification Scheme 2023. Collection method: clinical testing. Allele origin: germline.
Comment: The c.3829C>T (p.P1277S) alteration is located in exon 20 (coding exon 20) of the RGPD4 gene. This alteration results from a C to T substitution at nucleotide position 3829, causing the proline (P) at amino acid position 1277 to be replaced by a serine (S). Based on data from gnomAD, the T allele has an overall frequency of <0.001% (1/250960) total alleles studied. The highest observed frequency was 0.001% (1/113382) of European (non-Finnish) alleles. Based on insufficient or conflicting evidence, the clinical significance of this alteration remains unclear.